The following is an entry in ClinVar:

ClinVar aggregate classification (germline): Uncertain significance (1 of 4 stars; one submission).

Submission:

Labcorp Genetics (formerly Invitae), Labcorp
Classification: Uncertain significance. Last evaluated: 2022-12-06. Review status: criteria provided, single submitter. Criteria: Invitae Variant Classification Sherloc (09022015). Collection method: clinical testing. Allele origin: germline.
Comment: This variant, c.466_467ins78, is a complex sequence change that results in the deletion of 1 and insertion of 27 amino acid(s) in the PCNT protein (p.His156delins27). In summary, the available evidence is currently insufficient to determine the role of this variant in disease. Therefore, it has been classified as a Variant of Uncertain Significance. Experimental studies and prediction algorithms are not available or were not evaluated, and the functional significance of this variant is currently unknown. This variant has not been reported in the literature in individuals affected with PCNT-related conditions. This variant is not present in population databases (gnomAD no frequency).

NM_006031.6(PCNT):c.466_467insTGGGATGTTCACAGTCAGTGACCACCCACCAGAACAGCGTGGGATGTTCACAATCAGTGACCACCAACCGGAACAGCG (p.His156delinsLeuGlyCysSerGlnSerValThrThrHisGlnAsnSerValGlyCysSerGlnSerValThrThrAsnArgAsnSerAsp)

Gene: PCNT (pericentrin; plus strand). Cytogenetic location: 21q22.3.
Variant type: Insertion.
Coding change: c.466_467insTGGGATGTTCACAGTCAGTGACCACCCACCAGAACAGCGTGGGATGTTCACAATCAGTGACCACCAACCGGAACAGCG on transcript NM_006031.6 (MANE Select); coding-DNA positions 466 to 467, TGGGATGTTCACAGTCAGTGACCACCCACCAGAACAGCGTGGGATGTTCACAATCAGTGACCACCAACCGGAACAGCG inserted.
Protein change: p.His156delinsLeuGlyCysSerGlnSerValThrThrHisGlnAsnSerValGlyCysSerGlnSerValThrThrAsnArgAsnSerAsp.
Molecular consequence: inframe indel.
Genome position: GRCh38: chr21:46,334,595-46,334,596. GRCh37 (hg19): chr21:47,754,509-47,754,510.
Other names: c.112_113insTGGGATGTTCACAGTCAGTGACCACCCACCAGAACAGCGTGGGATGTTCACAATCAGTGACCACCAACCGGAACAGCG, p.His38delinsLeuGlyCysSerGlnSerValThrThrHisGlnAsnSerValGlyCysSerGlnSerValThrThrAsnArgAsnSerAsp (NM_001315529.2).
Identifiers: ClinVar variation 2056208 (VCV002056208.4), dbSNP rs2517955009, ClinGen allele CA2580098981.